The following is an entry in ClinVar:

NM_005475.3(SH2B3):c.743C>G (p.Pro248Arg)

Gene: SH2B3 (SH2B adaptor protein 3; plus strand). Cytogenetic location: 12q24.12.
Variant type: single nucleotide variant.
Coding change: c.743C>G on transcript NM_005475.3 (MANE Select); coding-DNA position 743, C replaced by G.
Protein change: p.Pro248Arg; replaces proline 248 with arginine.
Molecular consequence: missense variant.
Genome position (GRCh38, 1-based): chr12:111,446,763, C>G. VCF-style: chr12-111446763-C-G. GRCh37 (hg19) VCF-style: chr12-111884567-C-G.
Other names: c.137C>G, p.Pro46Arg (NM_001291424.1); short protein forms P46R, P248R.
Identifiers: ClinVar variation 3795029 (VCV003795029.1).

ClinVar aggregate classification (germline): Uncertain significance (1 of 4 stars; one submission).

Conditions:
Inborn genetic diseases. Identifiers: MedGen C0950123, MeSH D030342.

Submission:

Ambry Genetics
Classification: Uncertain significance for Inborn genetic diseases. Last evaluated: 2024-12-22. Review status: criteria provided, single submitter. Criteria: Ambry Variant Classification Scheme 2023. Collection method: clinical testing. Allele origin: germline.
Comment: The p.P248R variant (also known as c.743C>G), located in coding exon 2 of the SH2B3 gene, results from a C to G substitution at nucleotide position 743. The proline at codon 248 is replaced by arginine, an amino acid with dissimilar properties. This amino acid position is conserved. In addition, the in silico prediction for this alteration is inconclusive. Based on the available evidence, the clinical significance of this variant remains unclear.